The following is an entry in ClinVar:

NM_018993.4(RIN2):c.2663G>A (p.Gly888Glu)

Gene: RIN2 (Ras and Rab interactor 2; plus strand). Cytogenetic location: 20p11.23.
Variant type: single nucleotide variant.
Coding change: c.2663G>A on transcript NM_018993.4 (MANE Select); coding-DNA position 2663, G replaced by A.
Protein change: p.Gly888Glu; replaces glycine 888 with glutamic acid.
Molecular consequence: missense variant.
Genome position (GRCh38, 1-based): chr20:20,000,911, G>A. VCF-style: chr20-20000911-G-A. GRCh37 (hg19) VCF-style: chr20-19981555-G-A.
Other names: c.2810G>A, p.Gly937Glu (NM_001242581.2); c.2045G>A, p.Gly682Glu (NM_001378238.1); short protein forms G937E, G888E, G682E.
Identifiers: ClinVar variation 2002510 (VCV002002510.4), dbSNP rs1389447578, ClinGen allele CA408368042.
Genomic context (GRCh38, chr20:20,000,911, plus strand): 5'-TCTTCCACTTTGTCTACAAACGCATCAAGAACGATCCTTATGGCATCATTTTCCAGAACG[G>A]GGAAGAAGACCTCACCACCTCCTAGAAGACAGGCGGGACTTCCCAGTGGTGCATCCAAAG-3'
Protein context (NP_061866.1, residues 878-895): NDPYGIIFQN[Gly888Glu]EEDLTTS

ClinVar aggregate classification (germline): Uncertain significance (1 of 4 stars; one submission).

Allele frequency attached by ClinVar (database versions not stated): gnomAD exomes below 0.00001; TOPMed 0.00002.
gnomAD v4.1: 1 of 1,612,326 alleles (0.000062%); highest among the groups gnomAD compares: Admixed American, 0.0017%; no homozygotes.

Submission:

Labcorp Genetics (formerly Invitae), Labcorp
Classification: Uncertain significance. Last evaluated: 2022-06-13. Review status: criteria provided, single submitter. Criteria: Invitae Variant Classification Sherloc (09022015). Collection method: clinical testing. Allele origin: germline.
Comment: This sequence change replaces glycine, which is neutral and non-polar, with glutamic acid, which is acidic and polar, at codon 888 of the RIN2 protein (p.Gly888Glu). This variant is present in population databases (no rsID available, gnomAD 0.003%). This variant has not been reported in the literature in individuals affected with RIN2-related conditions. In summary, the available evidence is currently insufficient to determine the role of this variant in disease. Therefore, it has been classified as a Variant of Uncertain Significance. Algorithms developed to predict the effect of missense changes on protein structure and function output the following: SIFT: "Tolerated"; PolyPhen-2: "Not Available"; Align-GVGD: "Class C0". The glutamic acid amino acid residue is found in multiple mammalian species, which suggests that this missense change does not adversely affect protein function.